The following is an entry in ClinVar:

ClinVar aggregate classification (germline): Uncertain significance. Review status: criteria provided, multiple submitters, no conflicts (2 of 4 stars). 2 submissions from 2 submitters: Uncertain significance (2). Last evaluated 2025-11-24.

Conditions:
Inborn genetic diseases. Identifiers: MedGen C0950123, MeSH D030342.

gnomAD v4.1: 31 of 1,613,556 alleles (0.0019%); highest among the groups gnomAD compares: Non-Finnish European, 0.0025%; no homozygotes.

Submissions (2):

Labcorp Genetics (formerly Invitae), Labcorp
Classification: Uncertain significance. Last evaluated: 2025-11-24. Review status: criteria provided, single submitter. Criteria: Invitae Variant Classification Sherloc (09022015). Collection method: clinical testing. Allele origin: germline.
Comment: This sequence change replaces aspartic acid, which is acidic and polar, with histidine, which is basic and polar, at codon 1983 of the COL7A1 protein (p.Asp1983His). This variant is present in population databases (no rsID available, gnomAD 0.0009%). This variant has not been reported in the literature in individuals affected with COL7A1-related conditions. ClinVar contains an entry for this variant (Variation ID: 2062335). Invitae Evidence Modeling of protein sequence and biophysical properties (such as structural, functional, and spatial information, amino acid conservation, physicochemical variation, residue mobility, and thermodynamic stability) indicates that this missense variant is not expected to disrupt COL7A1 protein function with a negative predictive value of 95%. In summary, the available evidence is currently insufficient to determine the role of this variant in disease. Therefore, it has been classified as a Variant of Uncertain Significance.

Ambry Genetics
Classification: Uncertain significance for Inborn genetic diseases. Last evaluated: 2025-08-13. Review status: criteria provided, single submitter. Criteria: Ambry Variant Classification Scheme 2023. Collection method: clinical testing. Allele origin: germline.

NM_000094.4(COL7A1):c.5947G>C (p.Asp1983His)

Gene: COL7A1 (collagen type VII alpha 1 chain; minus strand). Cytogenetic location: 3p21.31.
Variant type: single nucleotide variant.
Coding change: c.5947G>C on transcript NM_000094.4 (MANE Select); coding-DNA position 5947, G replaced by C.
Protein change: p.Asp1983His; replaces aspartic acid 1983 with histidine.
Molecular consequence: missense variant.
Genome position (GRCh38, 1-based): chr3:48,575,658, C>G on the plus strand (G>C on the coding strand, the complement: COL7A1 is on the minus strand). VCF-style: chr3-48575658-C-G. GRCh37 (hg19) VCF-style: chr3-48613091-C-G.
Other names: short protein forms D1983H.
Identifiers: ClinVar variation 2062335 (VCV002062335.3), dbSNP rs1233059082, ClinGen allele CA352664780.